The following is an entry in ClinVar:

ClinVar aggregate classification (germline): Benign/Likely benign. Review status: criteria provided, multiple submitters, no conflicts (2 of 4 stars). 6 submissions from 6 submitters: Benign (2); Likely benign (4). Last evaluated 2025-09-11.

Conditions:
Hereditary cancer-predisposing syndrome. Also called: Neoplastic Syndromes, Hereditary; Hereditary Cancer Syndrome; Tumor predisposition; Hereditary neoplastic syndrome. Identifiers: Orphanet 140162, MedGen C0027672, MeSH D009386, MONDO:0015356.
Tuberous sclerosis syndrome (TSC). Also called: Tuberous Sclerosis Complex; Tuberous sclerosis. Identifiers: Orphanet 805, MedGen C0041341, MONDO:0001734.
Tuberous sclerosis 2 (TSC2). Identifiers: Orphanet 805, MedGen C1860707, MONDO:0013199, OMIM 613254.

Allele frequency attached by ClinVar (database versions not stated): gnomAD exomes 0.00001; TOPMed 0.00002.
gnomAD v4.1: 8 of 1,595,200 alleles (0.0005%); highest among the groups gnomAD compares: Non-Finnish European, 0.00068%; no homozygotes.

Submissions (6):

Labcorp Genetics (formerly Invitae), Labcorp
Classification: Likely benign for Tuberous sclerosis 2. Last evaluated: 2025-09-11. Review status: criteria provided, single submitter. Criteria: Invitae Variant Classification Sherloc (09022015). Collection method: clinical testing. Allele origin: germline.

Myriad Genetics, Inc.
Classification: Benign for Tuberous sclerosis 2. Last evaluated: 2025-06-02. Review status: criteria provided, single submitter. Criteria: Myriad Autosomal Dominant, Autosomal Recessive and X-Linked Classification Criteria (2023). Collection method: clinical testing. Allele origin: unknown.
Comment: This variant is considered benign. This variant is a silent/synonymous amino acid change and it is not expected to impact splicing.

All of Us Research Program, National Institutes of Health
Classification: Likely benign for Tuberous sclerosis syndrome. Last evaluated: 2023-05-16. Review status: criteria provided, single submitter. Criteria: ACMG Guidelines, 2015. Collection method: clinical testing. Allele origin: germline. Inheritance: Autosomal dominant inheritance. Observed: 1 variant allele, 1 heterozygote.
Comment: This study involves interpretation of variants in research participants for the purpose of population health screening. Participant phenotype was not available at the time of variant classification. Additional details can be found in publication PMID: 35346344, PMCID: PMC8962531

Blueprint Genetics
Classification: Likely benign. Last evaluated: 2022-12-29. Review status: criteria provided, single submitter. Criteria: ACMG Guidelines, 2015. Collection method: clinical testing. Allele origin: germline.

Genome-Nilou Lab
Classification: Benign for Tuberous sclerosis 2. Last evaluated: 2021-11-07. Review status: criteria provided, single submitter. Criteria: ACMG Guidelines, 2015. Collection method: clinical testing. Allele origin: germline. Affected: no.

Ambry Genetics
Classification: Likely benign for Hereditary cancer-predisposing syndrome. Last evaluated: 2015-01-08. Review status: criteria provided, single submitter. Criteria: Ambry Variant Classification Scheme 2023. Collection method: clinical testing. Allele origin: germline.

NM_000548.5(TSC2):c.4017C>T (p.Val1339=)

Gene: TSC2 (TSC complex subunit 2; plus strand). Cytogenetic location: 16p13.3.
Variant type: single nucleotide variant.
Coding change: c.4017C>T on transcript NM_000548.5 (MANE Select); coding-DNA position 4017, C replaced by T.
Protein change: p.Val1339=; no amino-acid change (valine 1339 retained).
Molecular consequence: synonymous variant.
Genome position (GRCh38, 1-based): chr16:2,084,239, C>T. VCF-style: chr16-2084239-C-T. GRCh37 (hg19) VCF-style: chr16-2134240-C-T.
Other names: c.3816C>T, p.Val1272= (NM_001077183.3); c.3948C>T, p.Val1316= (NM_001114382.3); c.3708C>T, p.Val1236= (NM_001318827.2); c.3672C>T, p.Val1224= (NM_001318829.2); c.3285C>T, p.Val1095= (NM_001318831.2); c.3849C>T, p.Val1283= (NM_001318832.2); c.3819C>T, p.Val1273= (NM_001363528.2); c.3885C>T, p.Val1295= (NM_001370404.1); and 1 more.
Identifiers: ClinVar variation 229821 (VCV000229821.21), dbSNP rs876658217, ClinGen allele CA10579898.